The following is an entry in ClinVar:

ClinVar aggregate classification (germline): Uncertain significance. Review status: criteria provided, multiple submitters, no conflicts (2 of 4 stars). 2 submissions from 2 submitters: Uncertain significance (2). Last evaluated 2026-01-07.

Conditions:
Dilated cardiomyopathy 1G (CMD1G). Identifiers: Orphanet 154, MedGen C1858763, MONDO:0011400, OMIM 604145.
Autosomal recessive limb-girdle muscular dystrophy type 2J (LGMDR10). Also called: MUSCULAR DYSTROPHY, LIMB-GIRDLE, AUTOSOMAL RECESSIVE 10; Limb-girdle muscular dystrophy, type 2J. Identifiers: Orphanet 140922, MedGen C1837342, MONDO:0012127, OMIM 608807.

Allele frequency attached by ClinVar (database versions not stated): gnomAD exomes below 0.00001; ExAC 0.00001.
gnomAD v4.1: 1 of 1,613,964 alleles (0.000062%); highest among the groups gnomAD compares: South Asian, 0.0011%; no homozygotes.

Submissions (2):

Labcorp Genetics (formerly Invitae), Labcorp
Classification: Uncertain significance for Dilated cardiomyopathy 1G; Autosomal recessive limb-girdle muscular dystrophy type 2J. Last evaluated: 2026-01-07. Review status: criteria provided, single submitter. Criteria: Invitae Variant Classification Sherloc (09022015). Collection method: clinical testing. Allele origin: germline.
Comment: This sequence change replaces valine, which is neutral and non-polar, with alanine, which is neutral and non-polar, at codon 35431 of the TTN protein (p.Val35431Ala). This variant is present in population databases (rs770923321, gnomAD 0.003%). This variant has not been reported in the literature in individuals affected with TTN-related conditions. ClinVar contains an entry for this variant (Variation ID: 2438195). An algorithm developed to predict the effect of missense changes on protein structure and function outputs the following: PolyPhen-2: "Not Available". The alanine amino acid residue is found in multiple mammalian species, which suggests that this missense change does not adversely affect protein function. This variant is located in the M band of TTN (PMID: 25589632). Non-truncating variants in this region may be relevant for neuromuscular disorders, but have not been definitively shown to cause cardiomyopathy (PMID: 23975875). In summary, the available evidence is currently insufficient to determine the role of this variant in disease. Therefore, it has been classified as a Variant of Uncertain Significance.

Revvity Omics, Revvity
Classification: Uncertain significance. Last evaluated: 2022-10-13. Review status: criteria provided, single submitter. Criteria: ACMG Guidelines, 2015. Collection method: clinical testing. Allele origin: germline.

Literature cited by the submitters: PubMed 25589632 (cited by Labcorp Genetics (formerly Invitae), Labcorp); PubMed 23975875 (cited by Labcorp Genetics (formerly Invitae), Labcorp).

NM_001267550.2(TTN):c.106292T>C (p.Val35431Ala)

Genes: TTN (titin; minus strand), TTN-AS1 (TTN antisense RNA 1; plus strand). Cytogenetic location: 2q31.2.
Variant type: single nucleotide variant.
Coding change: c.106292T>C on transcript NM_001267550.2 (MANE Select); coding-DNA position 106292, T replaced by C.
Protein change: p.Val35431Ala; replaces valine 35431 with alanine.
Molecular consequence: missense variant.
Genome position (GRCh38, 1-based): chr2:178,530,323, A>G on the plus strand (T>C on the coding strand, the complement: TTN is on the minus strand). VCF-style: chr2-178530323-A-G. GRCh37 (hg19) VCF-style: chr2-179395050-A-G.
Other names: c.101369T>C, p.Val33790Ala (NM_001256850.1); c.79097T>C, p.Val26366Ala (NM_003319.4); c.98588T>C, p.Val32863Ala (NM_133378.4); c.79472T>C, p.Val26491Ala (NM_133432.3); c.79673T>C, p.Val26558Ala (NM_133437.4); short protein forms V26366A, V26491A, V26558A, V32863A, V33790A, V35431A.
Identifiers: ClinVar variation 2438195 (VCV002438195.4), dbSNP rs770923321, ClinGen allele CA1985135.